The following is an entry in ClinVar:

NM_182914.3(SYNE2):c.4769T>C (p.Val1590Ala)

Gene: SYNE2 (spectrin repeat containing nuclear envelope protein 2; plus strand). Cytogenetic location: 14q23.2.
Variant type: single nucleotide variant.
Coding change: c.4769T>C on transcript NM_182914.3 (MANE Select); coding-DNA position 4769, T replaced by C.
Protein change: p.Val1590Ala; replaces valine 1590 with alanine.
Molecular consequence: missense variant.
Genome position (GRCh38, 1-based): chr14:64,016,513, T>C. VCF-style: chr14-64016513-T-C. GRCh37 (hg19) VCF-style: chr14-64483231-T-C.
Other names: c.4769T>C, p.Val1590Ala (NM_015180.6); short protein forms V1590A.
Identifiers: ClinVar variation 1400136 (VCV001400136.8), dbSNP rs1345072464, ClinGen allele CA389937116.

ClinVar aggregate classification (germline): Uncertain significance (1 of 4 stars; one submission).

Conditions:
Emery-Dreifuss muscular dystrophy 5, autosomal dominant (EDMD5). Also called: EMERY-DREIFUSS MUSCULAR DYSTROPHY 5. Identifiers: Orphanet 261, MedGen C2751805, MONDO:0013072, OMIM 612999.

Submission:

Labcorp Genetics (formerly Invitae), Labcorp
Classification: Uncertain significance for Emery-Dreifuss muscular dystrophy 5, autosomal dominant. Last evaluated: 2022-11-01. Review status: criteria provided, single submitter. Criteria: Invitae Variant Classification Sherloc (09022015). Collection method: clinical testing. Allele origin: germline.
Comment: In summary, the available evidence is currently insufficient to determine the role of this variant in disease. Therefore, it has been classified as a Variant of Uncertain Significance. Algorithms developed to predict the effect of missense changes on protein structure and function (SIFT, PolyPhen-2, Align-GVGD) all suggest that this variant is likely to be tolerated. ClinVar contains an entry for this variant (Variation ID: 1400136). This variant has not been reported in the literature in individuals affected with SYNE2-related conditions. This variant is not present in population databases (gnomAD no frequency). This sequence change replaces valine, which is neutral and non-polar, with alanine, which is neutral and non-polar, at codon 1590 of the SYNE2 protein (p.Val1590Ala).